The following is an entry in ClinVar:

ClinVar aggregate classification (germline): Likely benign (0 of 4 stars; one submission).

Conditions:
EGLN1-related disorder. Also called: EGLN1-related condition.

Submission:

PreventionGenetics, part of Exact Sciences
Classification: Likely benign for EGLN1-related condition. Last evaluated: 2020-02-04. Review status: no assertion criteria provided. Collection method: clinical testing. Allele origin: germline.
Comment: This variant is classified as likely benign based on ACMG/AMP sequence variant interpretation guidelines (Richards et al. 2015 PMID: 25741868, with internal and published modifications).

NM_022051.3(EGLN1):c.-18GCC[5]

Gene: EGLN1 (egl-9 family hypoxia inducible factor 1; minus strand). Cytogenetic location: 1q42.2.
Variant type: Microsatellite.
Coding change: c.-18GCC[5] on transcript NM_022051.3 (MANE Select); five copies in a row of the 3-base unit GCC starting at c.-18; the reference has six copies in a row; one copy, 3 bases deleted.
Molecular consequence: 5 prime UTR variant.
Genome position (GRCh38, 1-based): chr1:231,421,889-231,421,891, GGC deleted on the plus strand (GCC on the coding strand, the reverse complement: EGLN1 is on the minus strand); deleting any 3 consecutive bases within chr1:231,421,889-231,421,907 gives the same sequence; the position shown is the placement nearest the transcript's 3' end. VCF-style (leftmost placement, unchanged base first): chr1-231421888-TGGC-T. GRCh37 (hg19) VCF-style: chr1-231557634-TGGC-T.
Other names: c.-18GCC[5] (NM_001377260.1, NM_001377261.1).
Identifiers: ClinVar variation 3055642 (VCV003055642.2), dbSNP rs574288484, ClinGen allele CA424040866.